The following is an entry in ClinVar:

NM_024642.5(GALNT12):c.1031T>G (p.Phe344Cys)

Gene: GALNT12 (polypeptide N-acetylgalactosaminyltransferase 12; plus strand). Cytogenetic location: 9q22.33.
Variant type: single nucleotide variant.
Coding change: c.1031T>G on transcript NM_024642.5 (MANE Select); coding-DNA position 1031, T replaced by G.
Protein change: p.Phe344Cys; replaces phenylalanine 344 with cysteine.
Molecular consequence: missense variant.
Genome position (GRCh38, 1-based): chr9:98,835,362, T>G. VCF-style: chr9-98835362-T-G. GRCh37 (hg19) VCF-style: chr9-101597644-T-G.
Other names: c.1031T>G (NM_024642.4); short protein forms F344C.
Identifiers: ClinVar variation 1052652 (VCV001052652.12), dbSNP rs1427277664, ClinGen allele CA374219565.

ClinVar aggregate classification (germline): Uncertain significance. Review status: criteria provided, multiple submitters, no conflicts (2 of 4 stars). 3 submissions from 3 submitters: Uncertain significance (3). Last evaluated 2025-05-24.

Conditions:
Colorectal cancer, susceptibility to, 1. Also called: COLORECTAL ADENOMA AND CANCER, SUSCEPTIBILITY TO; COLORECTAL CANCER, SUSCEPTIBILITY TO, ON CHROMOSOME 9. Identifiers: MedGen C1837315, MONDO:0012132, OMIM 608812.

Allele frequency attached by ClinVar (database versions not stated): gnomAD 0.00001; TOPMed 0.00002.
gnomAD v4.1: 2 of 1,555,222 alleles (0.00013%); highest among the groups gnomAD compares: African/African-American, 0.0027%; no homozygotes.

Submissions (3):

Ambry Genetics
Classification: Uncertain significance. Last evaluated: 2025-05-24. Review status: criteria provided, single submitter. Criteria: Ambry Variant Classification Scheme 2023. Collection method: clinical testing. Allele origin: germline.
Comment: The p.F344C variant (also known as c.1031T>G), located in coding exon 5 of the GALNT12 gene, results from a T to G substitution at nucleotide position 1031. The phenylalanine at codon 344 is replaced by cysteine, an amino acid with highly dissimilar properties. This amino acid position is highly conserved in available vertebrate species. In addition, this alteration is predicted to be deleterious by in silico analysis. The evidence for this gene-disease relationship is limited; therefore, the clinical significance of this alteration is unclear.

Labcorp Genetics (formerly Invitae), Labcorp
Classification: Uncertain significance. Last evaluated: 2024-08-13. Review status: criteria provided, single submitter. Criteria: Invitae Variant Classification Sherloc (09022015). Collection method: clinical testing. Allele origin: germline.
Comment: This sequence change replaces phenylalanine, which is neutral and non-polar, with cysteine, which is neutral and slightly polar, at codon 344 of the GALNT12 protein (p.Phe344Cys). This variant is not present in population databases (gnomAD no frequency). This variant has not been reported in the literature in individuals affected with GALNT12-related conditions. ClinVar contains an entry for this variant (Variation ID: 1052652). Advanced modeling of protein sequence and biophysical properties (such as structural, functional, and spatial information, amino acid conservation, physicochemical variation, residue mobility, and thermodynamic stability) performed at Invitae indicates that this missense variant is expected to disrupt GALNT12 protein function with a positive predictive value of 80%. In summary, the available evidence is currently insufficient to determine the role of this variant in disease. Therefore, it has been classified as a Variant of Uncertain Significance.

Baylor Genetics
Classification: Uncertain significance for Colorectal cancer, susceptibility to, 1. Last evaluated: 2023-11-27. Review status: criteria provided, single submitter. Criteria: ACMG Guidelines, 2015. Collection method: clinical testing. Allele origin: unknown.